The following is an entry in ClinVar:

NM_001366385.1(CARD14):c.1499G>C (p.Ser500Thr)

Gene: CARD14 (caspase recruitment domain family member 14; plus strand). Cytogenetic location: 17q25.3.
Variant type: single nucleotide variant.
Coding change: c.1499G>C on transcript NM_001366385.1 (MANE Select); coding-DNA position 1499, G replaced by C.
Protein change: p.Ser500Thr; replaces serine 500 with threonine.
Molecular consequence: missense variant. On other transcripts: non-coding transcript variant (1).
Genome position (GRCh38, 1-based): chr17:80,195,333, G>C. VCF-style: chr17-80195333-G-C. GRCh37 (hg19) VCF-style: chr17-78169132-G-C.
Other names: c.1499G>C, p.Ser500Thr (NM_001257970.1, NM_024110.4); c.788G>C, p.Ser263Thr (NM_052819.3); short protein forms S263T, S500T.
Identifiers: ClinVar variation 661130 (VCV000661130.7), dbSNP rs369200145, ClinGen allele CA8816842.

ClinVar aggregate classification (germline): Uncertain significance (1 of 4 stars; one submission).

Conditions:
Pityriasis rubra pilaris (PRP). Also called: Pityriasis rubra pilaris--familial type. Identifiers: Orphanet 2897, MedGen C0032027, MONDO:0100017, OMIM 173200, MONDO:0008251.
Psoriasis 2. Identifiers: MedGen C1864497, MONDO:0011269, OMIM 602723.

Allele frequency attached by ClinVar (database versions not stated): gnomAD 0.00003 and 0.00004; gnomAD exomes 0.00003 and 0.00004; ExAC 0.00004; TOPMed 0.00004; ESP Exome Variant Server 0.00008.
gnomAD v4.1: 50 of 1,609,924 alleles (0.0031%); highest among the groups gnomAD compares: Admixed American, 0.013%; no homozygotes.

Submission:

Labcorp Genetics (formerly Invitae), Labcorp
Classification: Uncertain significance for Pityriasis rubra pilaris; Psoriasis 2. Last evaluated: 2025-05-27. Review status: criteria provided, single submitter. Criteria: Invitae Variant Classification Sherloc (09022015). Collection method: clinical testing. Allele origin: germline.
Comment: This sequence change replaces serine, which is neutral and polar, with threonine, which is neutral and polar, at codon 500 of the CARD14 protein (p.Ser500Thr). This variant also falls at the last nucleotide of exon 10, which is part of the consensus splice site for this exon. This variant is present in population databases (rs369200145, gnomAD 0.02%). This variant has not been reported in the literature in individuals affected with CARD14-related conditions. ClinVar contains an entry for this variant (Variation ID: 661130). Invitae Evidence Modeling of protein sequence and biophysical properties (such as structural, functional, and spatial information, amino acid conservation, physicochemical variation, residue mobility, and thermodynamic stability) indicates that this missense variant is not expected to disrupt CARD14 protein function with a negative predictive value of 95%. Variants that disrupt the consensus splice site are a relatively common cause of aberrant splicing (PMID: 17576681, 9536098). Algorithms developed to predict the effect of sequence changes on RNA splicing suggest that this variant may disrupt the consensus splice site. In summary, the available evidence is currently insufficient to determine the role of this variant in disease. Therefore, it has been classified as a Variant of Uncertain Significance.

Literature cited by the submitters: PubMed 17576681; PubMed 9536098.